The following is an entry in ClinVar:

NM_000338.3(SLC12A1):c.*1084A>T

Gene: SLC12A1 (solute carrier family 12 member 1; plus strand). Cytogenetic location: 15q21.1.
Variant type: single nucleotide variant.
Coding change: c.*1084A>T on transcript NM_000338.3 (MANE Select); 1084 bases downstream of the stop codon, A replaced by T.
Molecular consequence: 3 prime UTR variant.
Genome position (GRCh38, 1-based): chr15:48,303,969, A>T. VCF-style: chr15-48303969-A-T. GRCh37 (hg19) VCF-style: chr15-48596166-A-T.
Other names: c.*1084A>T (NM_001184832.2).
Identifiers: ClinVar variation 316294 (VCV000316294.6), dbSNP rs12438818, ClinGen allele CA10642068.

ClinVar aggregate classification (germline): Benign. Review status: criteria provided, multiple submitters, no conflicts (2 of 4 stars). 2 submissions from 2 submitters: Benign (2). Last evaluated 2018-01-12.

Conditions:
Bartter disease type 1. Also called: HYPERPROSTAGLANDIN E SYNDROME 1; HYPOKALEMIC ALKALOSIS WITH HYPERCALCIURIA 1, ANTENATAL; Bartter syndrome, type 1, antenatal; Bartter Syndrome type 1. Identifiers: Orphanet 112, Orphanet 620217, MedGen C1866495, MONDO:0100344, OMIM 601678, MONDO:0011127.

Allele frequency attached by ClinVar (database versions not stated): 1000 Genomes Project 0.82069; 1000 Genomes Project 30x 0.82448; TOPMed 0.89278; gnomAD 0.90329 and 0.90572.

Submissions (2):

Illumina Laboratory Services, Illumina
Classification: Benign for Bartter disease type 1. Last evaluated: 2018-01-12. Review status: criteria provided, single submitter. Criteria: ICSL Variant Classification Criteria 13 December 2019. Collection method: clinical testing. Allele origin: germline.
Comment: This variant was observed in the ICSL laboratory as part of a predisposition screen in an ostensibly healthy population. It had not been previously curated by ICSL or reported in the Human Gene Mutation Database (HGMD: prior to June 1st, 2018), and was therefore a candidate for classification through an automated scoring system. Utilizing variant allele frequency, disease prevalence and penetrance estimates, and inheritance mode, an automated score was calculated to assess if this variant is too frequent to cause the disease. Based on the score and internal cut-off values, a variant classified as benign is not then subjected to further curation. The score for this variant resulted in a classification of benign for this disease.

Breakthrough Genomics
Classification: Benign. Review status: criteria provided, single submitter. Criteria: ACMG Guidelines, 2015. Collection method: not provided. Allele origin: germline. Inheritance: Autosomal recessive inheritance. Affected: yes.